The following is an entry in ClinVar:

NM_004006.3(DMD):c.4937A>G (p.Glu1646Gly)

Gene: DMD (dystrophin; minus strand). Cytogenetic location: Xp21.1.
Variant type: single nucleotide variant.
Coding change: c.4937A>G on transcript NM_004006.3 (MANE Select); coding-DNA position 4937, A replaced by G.
Protein change: p.Glu1646Gly; replaces glutamic acid 1646 with glycine.
Molecular consequence: missense variant.
Genome position (GRCh38, 1-based): chrX:32,365,108, T>C on the plus strand (A>G on the coding strand, the complement: DMD is on the minus strand). VCF-style: chrX-32365108-T-C. GRCh37 (hg19) VCF-style: chrX-32383225-T-C.
Other names: c.4913A>G, p.Glu1638Gly (NM_000109.4); c.4925A>G, p.Glu1642Gly (NM_004009.3); c.4568A>G, p.Glu1523Gly (NM_004010.3); c.914A>G, p.Glu305Gly (NM_004011.4); c.905A>G, p.Glu302Gly (NM_004012.4); short protein forms E302G, E305G, E1646G, E1523G, E1638G, E1642G.
Identifiers: ClinVar variation 2142513 (VCV002142513.4), dbSNP rs1373815664, ClinGen allele CA412672098.
Genomic context (GRCh38, chrX:32,365,108, plus strand): 5'-CGGGAGGTGACAGCTATCCAGTTACTATTCAGAAGACTGAGTTTATCTTCCACCAACGTC[T>C]CCTTCTTGCCCAAAACTGTTTTCAAGGCCTCTCCTACCTCTGTGATACTCTTCAGGTGCA-3'
Protein context (NP_003997.2, residues 1636-1656): EALKTVLGKK[Glu1646Gly]TLVEDKLSLL

ClinVar aggregate classification (germline): Uncertain significance. Review status: criteria provided, multiple submitters, no conflicts (2 of 4 stars). 2 submissions from 2 submitters: Uncertain significance (2). Last evaluated 2025-12-13.

Conditions:
Cardiovascular phenotype. Identifiers: MedGen CN230736.
Duchenne muscular dystrophy (DMD). Also called: MUSCULAR DYSTROPHY, PSEUDOHYPERTROPHIC PROGRESSIVE, DUCHENNE TYPE; Duchenne Muscular Dystrophy (DMD). Identifiers: Orphanet 98896, MedGen C0013264, MONDO:0010679, OMIM 310200.

Allele frequency attached by ClinVar (database versions not stated): gnomAD exomes below 0.00001; TOPMed 0.00001; gnomAD 0.00002.
gnomAD v4.1: 6 of 1,208,669 alleles (0.0005%); highest among the groups gnomAD compares: African/African-American, 0.0018%; no homozygotes.

Submissions (2):

Labcorp Genetics (formerly Invitae), Labcorp
Classification: Uncertain significance for Duchenne muscular dystrophy. Last evaluated: 2025-12-13. Review status: criteria provided, single submitter. Criteria: Invitae Variant Classification Sherloc (09022015). Collection method: clinical testing. Allele origin: germline.
Comment: This sequence change replaces glutamic acid, which is acidic and polar, with glycine, which is neutral and non-polar, at codon 1646 of the DMD protein (p.Glu1646Gly). This variant is present in population databases (no rsID available, gnomAD 0.001%). This variant has not been reported in the literature in individuals affected with DMD-related conditions. ClinVar contains an entry for this variant (Variation ID: 2142513). Invitae Evidence Modeling of protein sequence and biophysical properties (such as structural, functional, and spatial information, amino acid conservation, physicochemical variation, residue mobility, and thermodynamic stability) indicates that this missense variant is not expected to disrupt DMD protein function with a negative predictive value of 95%. Algorithms developed to predict the effect of sequence changes on RNA splicing suggest that this variant may create or strengthen a splice site. In summary, the available evidence is currently insufficient to determine the role of this variant in disease. Therefore, it has been classified as a Variant of Uncertain Significance.

Ambry Genetics
Classification: Uncertain significance for Cardiovascular phenotype. Last evaluated: 2025-01-15. Review status: criteria provided, single submitter. Criteria: Ambry Variant Classification Scheme 2023. Collection method: clinical testing. Allele origin: germline.
Comment: The p.E1646G variant (also known as c.4937A>G), located in coding exon 35 of the DMD gene, results from an A to G substitution at nucleotide position 4937. The glutamic acid at codon 1646 is replaced by glycine, an amino acid with similar properties. Based on data from gnomAD, the G allele has an overall frequency of 0.0005% (1/183275) total alleles studied, with 0 hemizygote(s) observed. The highest observed frequency was 0.0012% (1/81787) of European (non-Finnish) alleles. This amino acid position is well conserved in available vertebrate species. In addition, this alteration is predicted to be tolerated by in silico analysis. Based on the available evidence, the clinical significance of this variant remains unclear.